The following is an entry in ClinVar:

NM_000709.4(BCKDHA):c.375+1G>A

Gene: BCKDHA (branched chain keto acid dehydrogenase E1 subunit alpha; plus strand). Cytogenetic location: 19q13.2.
Variant type: single nucleotide variant.
Coding change: c.375+1G>A on transcript NM_000709.4 (MANE Select); the canonical splice donor site of the intron after coding-DNA position 375, G replaced by A.
Molecular consequence: splice donor variant.
Genome position (GRCh38, 1-based): chr19:41,411,010, G>A. VCF-style: chr19-41411010-G-A. GRCh37 (hg19) VCF-style: chr19-41916915-G-A.
Other names: c.375+1G>A (NM_001164783.2).
Identifiers: ClinVar variation 2797254 (VCV002797254.3), dbSNP rs2513452452, ClinGen allele CA406006142.
Genomic context (GRCh38, chr19:41,411,010, plus strand): 5'-TACAAGAGCATGACACTGCTTAACACCATGGACCGCATCCTCTATGAGTCTCAGCGGCAG[G>A]TGCGTGGGGACAGGACTAGGGGCGGGGGGCTGGAATTACCTGAGGTCCCCTACCTGTGTT-3'

ClinVar aggregate classification (germline): Likely pathogenic (1 of 4 stars; one submission).

Conditions:
Maple syrup urine disease (MSUD). Identifiers: Orphanet 511, MedGen C0024776, MeSH D008375, MONDO:0009563. Disease mechanism: loss of function.

Allele frequency attached by ClinVar (database versions not stated): gnomAD exomes below 0.00001.

Submission:

Labcorp Genetics (formerly Invitae), Labcorp
Classification: Likely pathogenic for Maple syrup urine disease. Last evaluated: 2023-05-13. Review status: criteria provided, single submitter. Criteria: Invitae Variant Classification Sherloc (09022015). Collection method: clinical testing. Allele origin: germline.
Comment: In summary, the currently available evidence indicates that the variant is pathogenic, but additional data are needed to prove that conclusively. Therefore, this variant has been classified as Likely Pathogenic. Algorithms developed to predict the effect of sequence changes on RNA splicing suggest that this variant may disrupt the consensus splice site. This variant has not been reported in the literature in individuals affected with BCKDHA-related conditions. This variant is not present in population databases (gnomAD no frequency). This sequence change affects a donor splice site in intron 3 of the BCKDHA gene. It is expected to disrupt RNA splicing. Variants that disrupt the donor or acceptor splice site typically lead to a loss of protein function (PMID: 16199547), and loss-of-function variants in BCKDHA are known to be pathogenic (PMID: 16786533, 22593002).

Literature cited by the submitters: PubMed 16199547; PubMed 16786533; PubMed 22593002.